The following is an entry in ClinVar:

ClinVar aggregate classification (germline): Uncertain significance. Review status: criteria provided, multiple submitters, no conflicts (2 of 4 stars). 3 submissions from 3 submitters: Uncertain significance (3). Last evaluated 2025-10-21.

Conditions:
Ehlers-Danlos syndrome, classic type, 2 (EDSCL2). Also called: Ehlers-Danlos Syndrome, Classic Type, COL5A2-Related; Ehlers-Danlos syndrome, type 2; Ehlers-Danlos syndrome type 2 (formerly). Identifiers: Orphanet 287, Orphanet 90318, MedGen C0268336, MONDO:0019568, OMIM 130010.
Familial thoracic aortic aneurysm and aortic dissection (TAAD). Also called: Thoracic aortic aneurysms and dissections. Identifiers: Orphanet 91387, MedGen C4707243, MONDO:0019625.

Allele frequency attached by ClinVar (database versions not stated): gnomAD exomes below 0.00001; gnomAD 0.00001; TOPMed 0.00001.
gnomAD v4.1: 3 of 1,613,746 alleles (0.00019%); highest among the groups gnomAD compares: East Asian, 0.0022%; no homozygotes.

Submissions (3):

Mayo Clinic Laboratories, Mayo Clinic
Classification: Uncertain significance. Last evaluated: 2025-10-21. Review status: criteria provided, single submitter. Criteria: ACMG Guidelines, 2015. Collection method: clinical testing. Allele origin: germline. Observed: 1 variant allele.
Comment: PP3_moderate

Ambry Genetics
Classification: Uncertain significance for Familial thoracic aortic aneurysm and aortic dissection. Last evaluated: 2017-04-03. Review status: criteria provided, single submitter. Criteria: Ambry Variant Classification Scheme 2023. Collection method: clinical testing. Allele origin: germline.
Comment: The p.R210W variant (also known as c.628C>T), located in coding exon 4 of the COL5A1 gene, results from a C to T substitution at nucleotide position 628. The arginine at codon 210 is replaced by tryptophan, an amino acid with dissimilar properties. This amino acid position is highly conserved in available vertebrate species. In addition, this alteration is predicted to be deleterious by in silico analysis. Since supporting evidence is limited at this time, the clinical significance of this alteration remains unclear.

Centre for Mendelian Genomics, University Medical Centre Ljubljana
Classification: Uncertain significance for Ehlers-Danlos syndrome, classic type, 2. Last evaluated: 2016-01-01. Review status: criteria provided, single submitter. Criteria: ACMG Guidelines, 2015. Collection method: clinical testing. Allele origin: unknown. Affected: yes.
Comment: This variant was classified as: Uncertain significance. The following ACMG criteria were applied in classifying this variant: PM2,PP3.

NM_000093.5(COL5A1):c.628C>T (p.Arg210Trp)

Gene: COL5A1 (collagen type V alpha 1 chain; plus strand). Cytogenetic location: 9q34.3.
Variant type: single nucleotide variant.
Coding change: c.628C>T on transcript NM_000093.5 (MANE Select); coding-DNA position 628, C replaced by T.
Protein change: p.Arg210Trp; replaces arginine 210 with tryptophan.
Molecular consequence: missense variant.
Genome position (GRCh38, 1-based): chr9:134,701,307, C>T. VCF-style: chr9-134701307-C-T. GRCh37 (hg19) VCF-style: chr9-137593153-C-T.
Other names: p.Arg210Trp; c.628C>T, p.Arg210Trp (NM_001278074.1); short protein forms R210W.
Identifiers: ClinVar variation 519647 (VCV000519647.9), dbSNP rs1490728700, ClinGen allele CA375443490.